The following is an entry in ClinVar:

NM_144997.7(FLCN):c.371C>T (p.Ala124Val)

Gene: FLCN (folliculin; minus strand). Cytogenetic location: 17p11.2.
Variant type: single nucleotide variant.
Coding change: c.371C>T on transcript NM_144997.7 (MANE Select); coding-DNA position 371, C replaced by T.
Protein change: p.Ala124Val; replaces alanine 124 with valine.
Molecular consequence: missense variant.
Genome position (GRCh38, 1-based): chr17:17,226,201, G>A on the plus strand (C>T on the coding strand, the complement: FLCN is on the minus strand). VCF-style: chr17-17226201-G-A. GRCh37 (hg19) VCF-style: chr17-17129515-G-A.
Other names: c.371C>T, p.Ala124Val (NM_001353229.2, NM_001353230.2, NM_001353231.2 and 1 more transcripts); short protein forms A124V.
Identifiers: ClinVar variation 3515620 (VCV003515620.1).

ClinVar aggregate classification (germline): Uncertain significance (1 of 4 stars; one submission).

Conditions:
Hereditary cancer-predisposing syndrome. Also called: Tumor predisposition; Neoplastic Syndromes, Hereditary; Hereditary Cancer Syndrome; Hereditary neoplastic syndrome. Identifiers: Orphanet 140162, MedGen C0027672, MeSH D009386, MONDO:0015356.

Submission:

Ambry Genetics
Classification: Uncertain significance for Hereditary cancer-predisposing syndrome. Last evaluated: 2024-11-12. Review status: criteria provided, single submitter. Criteria: Ambry Variant Classification Scheme 2023. Collection method: clinical testing. Allele origin: germline.
Comment: The p.A124V variant (also known as c.371C>T), located in coding exon 2 of the FLCN gene, results from a C to T substitution at nucleotide position 371. The alanine at codon 124 is replaced by valine, an amino acid with similar properties. This amino acid position is highly conserved in available vertebrate species. In addition, this alteration is predicted to be deleterious by in silico analysis. Based on the available evidence, the clinical significance of this variant remains unclear.